The following is an entry in ClinVar:

NM_014159.7(SETD2):c.4878C>T (p.Phe1626=)

Gene: SETD2 (SET domain containing 2, histone lysine methyltransferase; minus strand). Cytogenetic location: 3p21.31.
Variant type: single nucleotide variant.
Coding change: c.4878C>T on transcript NM_014159.7 (MANE Select); coding-DNA position 4878, C replaced by T.
Protein change: p.Phe1626=; no amino-acid change (phenylalanine 1626 retained).
Molecular consequence: synonymous variant. On other transcripts: non-coding transcript variant (1).
Genome position (GRCh38, 1-based): chr3:47,103,385, G>A on the plus strand (C>T on the coding strand, the complement: SETD2 is on the minus strand). VCF-style: chr3-47103385-G-A. GRCh37 (hg19) VCF-style: chr3-47144875-G-A.
Other names: c.4746C>T, p.Phe1582= (NM_001349370.3).
Identifiers: ClinVar variation 5002186 (VCV005002186.1).
Genomic context (GRCh38, chr3:47,103,385, plus strand): 5'-TCTAAATCCACCTCAACTTACTTTTTGGGTTTCACAATTTGGTTCACAGCTGTGATTCAT[G>A]AAACGAGAGCAATTTCCTTTTTGAGTGGCATCTATTATCTGGGAGAAGAGGATCATTTAA-3'
Protein context (NP_054878.5, residues 1616-1636): DATQKGNCSR[Phe1626=]MNHSCEPNCE

ClinVar aggregate classification (germline): Uncertain significance (1 of 4 stars; one submission).

Conditions:
SETD2-related disorder.

Submission:

PreventionGenetics, part of Exact Sciences
Classification: Uncertain significance for SETD2-related condition. Last evaluated: 2026-08-02. Review status: criteria provided, single submitter. Criteria: ACMG Guidelines, 2015. Collection method: clinical testing. Allele origin: germline.
Comment: The SETD2 c.4878C>T variant is not predicted to result in an amino acid change (p.=). This variant is predicted to alter splicing based on available splicing prediction programs (SpliceAI, Jaganathan et al. 2019. PubMed ID: 30661751). However, the use of computer prediction programs is not equivalent to functional evidence. To our knowledge, this variant has not been reported in the literature or in a large population database (gnomAD), indicating this variant is rare. At this time, the clinical significance of this variant is uncertain due to the absence of conclusive functional and genetic evidence.